The following is an entry in ClinVar:

ClinVar aggregate classification (germline): Benign. Review status: criteria provided, single submitter (1 of 4 stars). 2 submissions from 2 submitters: Benign (1). 1 of the submissions does not count toward it. Last evaluated 2023-11-01.

Conditions:
RECQL5-related disorder. Also called: RECQL5-related condition.

Allele frequency attached by ClinVar (database versions not stated): 1000 Genomes Project 0.00699; 1000 Genomes Project 30x 0.00703; ESP Exome Variant Server 0.00796.
gnomAD v4.1: 20,708 of 1,512,814 alleles (1.4%); highest among the groups gnomAD compares: Non-Finnish European, 1.4%; 228 homozygotes.

Submissions (2):

CeGaT Center for Human Genetics Tuebingen
Classification: Benign. Last evaluated: 2023-11-01. Review status: criteria provided, single submitter. Criteria: CeGaT Center For Human Genetics Tuebingen Variant Classification Criteria Version 2. Collection method: clinical testing. Allele origin: germline. Affected: yes. Observed: 1 variant allele.
Comment: RECQL5: BP4, BS1, BS2

PreventionGenetics, part of Exact Sciences
Classification: Benign for RECQL5-related condition. Last evaluated: 2019-10-31. Review status: no assertion criteria provided. Collection method: clinical testing. Allele origin: germline. Not counted in ClinVar's aggregate classification.
Comment: This variant is classified as benign based on ACMG/AMP sequence variant interpretation guidelines (Richards et al. 2015 PMID: 25741868, with internal and published modifications).

NM_004259.7(RECQL5):c.2060G>C (p.Arg687Pro)

Gene: RECQL5 (RecQ like helicase 5; minus strand). Cytogenetic location: 17q25.1.
Variant type: single nucleotide variant.
Coding change: c.2060G>C on transcript NM_004259.7 (MANE Select); coding-DNA position 2060, G replaced by C.
Protein change: p.Arg687Pro; replaces arginine 687 with proline.
Molecular consequence: missense variant.
Genome position (GRCh38, 1-based): chr17:75,629,363, C>G on the plus strand (G>C on the coding strand, the complement: RECQL5 is on the minus strand). VCF-style: chr17-75629363-C-G. GRCh37 (hg19) VCF-style: chr17-73625443-C-G.
Other names: c.2060G>C (NM_004259.6); short protein forms R687P.
Identifiers: ClinVar variation 2672710 (VCV002672710.24), dbSNP rs34941411, ClinGen allele CA8767174.